The following is an entry in ClinVar:

ClinVar aggregate classification (germline): Uncertain significance (1 of 4 stars; one submission).

gnomAD v4.1: 5 of 1,418,432 alleles (0.00035%); highest among the groups gnomAD compares: Middle Eastern, 0.045%; no homozygotes.

Submission:

Women's Health and Genetics/Laboratory Corporation of America, LabCorp
Classification: Uncertain significance. Last evaluated: 2025-12-16. Review status: criteria provided, single submitter. Criteria: LabCorp Variant Classification Summary - May 2015. Collection method: clinical testing. Allele origin: germline.
Comment: Variant summary: ITGB3 c.79+3G>A alters a nucleotide located close to a canonical splice site and therefore could affect mRNA splicing, leading to a significantly altered protein sequence. Several computational tools predict a significant impact on normal splicing: One predict the variant creates a 5' donor site. One predict the variant strengthens a 5' donor site. However, these predictions have yet to be confirmed by functional studies. The frequency data for this variant in gnomAD is considered unreliable, as metrics indicate poor data quality at this position. To our knowledge, no occurrence of c.79+3G>A in individuals affected with ITGB3-related conditions and no experimental evidence demonstrating its impact on protein function have been reported. No submitters have cited clinical-significance assessments for this variant to ClinVar. Based on the evidence outlined above, the variant was classified as uncertain significance.

NM_000212.3(ITGB3):c.79+3G>A

Gene: ITGB3 (integrin subunit beta 3; plus strand). Cytogenetic location: 17q21.32.
Variant type: single nucleotide variant.
Coding change: c.79+3G>A on transcript NM_000212.3 (MANE Select); 3 bases into the intron after coding-DNA position 79, G replaced by A.
Molecular consequence: intron variant.
Genome position (GRCh38, 1-based): chr17:47,253,943, G>A. VCF-style: chr17-47253943-G-A. GRCh37 (hg19) VCF-style: chr17-45331309-G-A.
Identifiers: ClinVar variation 4688278 (VCV004688278.1).